The following is an entry in ClinVar:

NM_033305.3(VPS13A):c.6357C>A (p.Tyr2119Ter)

Gene: VPS13A (vacuolar protein sorting 13 homolog A; plus strand). Cytogenetic location: 9q21.2.
Variant type: single nucleotide variant.
Coding change: c.6357C>A on transcript NM_033305.3 (MANE Select); coding-DNA position 6357, C replaced by A.
Protein change: p.Tyr2119Ter; replaces tyrosine 2119 with a stop codon.
Molecular consequence: nonsense.
Genome position (GRCh38, 1-based): chr9:77,337,516, C>A. VCF-style: chr9-77337516-C-A. GRCh37 (hg19) VCF-style: chr9-79952432-C-A.
Other names: c.6240C>A, p.Tyr2080Ter (NM_001018037.2); c.6357C>A, p.Tyr2119Ter (NM_001018038.3, NM_015186.4); short protein forms Y2080*, Y2119*.
Identifiers: ClinVar variation 1451683 (VCV001451683.6), dbSNP rs2131499119, ClinGen allele CA373848958.

ClinVar aggregate classification (germline): Pathogenic (1 of 4 stars; one submission).

Submission:

Labcorp Genetics (formerly Invitae), Labcorp
Classification: Pathogenic. Last evaluated: 2021-03-23. Review status: criteria provided, single submitter. Criteria: Invitae Variant Classification Sherloc (09022015). Collection method: clinical testing. Allele origin: germline.
Comment: For these reasons, this variant has been classified as Pathogenic. This variant has not been reported in the literature in individuals with VPS13A-related conditions. This variant is not present in population databases (ExAC no frequency). This sequence change creates a premature translational stop signal (p.Tyr2119*) in the VPS13A gene. It is expected to result in an absent or disrupted protein product. Loss-of-function variants in VPS13A are known to be pathogenic (PMID: 12404112, 21598378).

Literature cited by the submitters: PubMed 12404112; PubMed 21598378.